The following is an entry in ClinVar:

NM_001942.4(DSG1):c.833T>G (p.Ile278Ser)

Gene: DSG1 (desmoglein 1; plus strand). Cytogenetic location: 18q12.1.
Variant type: single nucleotide variant.
Coding change: c.833T>G on transcript NM_001942.4 (MANE Select); coding-DNA position 833, T replaced by G.
Protein change: p.Ile278Ser; replaces isoleucine 278 with serine.
Molecular consequence: missense variant.
Genome position (GRCh38, 1-based): chr18:31,334,030, T>G. VCF-style: chr18-31334030-T-G. GRCh37 (hg19) VCF-style: chr18-28913993-T-G.
Other names: short protein forms I278S.
Identifiers: ClinVar variation 3684200 (VCV003684200.2).

ClinVar aggregate classification (germline): Uncertain significance (1 of 4 stars; one submission).

Submission:

Labcorp Genetics (formerly Invitae), Labcorp
Classification: Uncertain significance. Last evaluated: 2024-09-26. Review status: criteria provided, single submitter. Criteria: Invitae Variant Classification Sherloc (09022015). Collection method: clinical testing. Allele origin: germline.
Comment: This sequence change replaces isoleucine, which is neutral and non-polar, with serine, which is neutral and polar, at codon 278 of the DSG1 protein (p.Ile278Ser). This variant is present in population databases (no rsID available, gnomAD 0.0009%). This variant has not been reported in the literature in individuals affected with DSG1-related conditions. Invitae Evidence Modeling of protein sequence and biophysical properties (such as structural, functional, and spatial information, amino acid conservation, physicochemical variation, residue mobility, and thermodynamic stability) has been performed for this missense variant. However, the output from this modeling did not meet the statistical confidence thresholds required to predict the impact of this variant on DSG1 protein function. In summary, the available evidence is currently insufficient to determine the role of this variant in disease. Therefore, it has been classified as a Variant of Uncertain Significance.